The following is an entry in ClinVar:

ClinVar aggregate classification (germline): Uncertain significance (1 of 4 stars; one submission).

Conditions:
F8-related disorder. Also called: F8-related condition.

Allele frequency attached by ClinVar (database versions not stated): gnomAD exomes below 0.00001.
gnomAD v4.1: 1 of 1,211,925 alleles (0.000083%); highest among the groups gnomAD compares: Admixed American, 0.0022%; no homozygotes.

Submission:

PreventionGenetics, part of Exact Sciences
Classification: Uncertain significance for F8-related condition. Last evaluated: 2023-09-25. Review status: criteria provided, single submitter. Criteria: ACMG Guidelines, 2015. Collection method: clinical testing. Allele origin: germline.
Comment: The F8 c.34T>C variant is predicted to result in the amino acid substitution p.Cys12Arg. To our knowledge, this variant has not been reported in the literature. This variant is reported in 0.0036% of alleles in individuals of Latino descent in gnomAD. At this time, the clinical significance of this variant is uncertain due to the absence of conclusive functional and genetic evidence.

NM_000132.4(F8):c.34T>C (p.Cys12Arg)

Gene: F8 (coagulation factor VIII; minus strand). Cytogenetic location: Xq28.
Variant type: single nucleotide variant.
Coding change: c.34T>C on transcript NM_000132.4 (MANE Select); coding-DNA position 34, T replaced by C.
Protein change: p.Cys12Arg; replaces cysteine 12 with arginine.
Molecular consequence: missense variant.
Genome position (GRCh38, 1-based): chrX:155,022,519, A>G on the plus strand (T>C on the coding strand, the complement: F8 is on the minus strand). VCF-style: chrX-155022519-A-G. GRCh37 (hg19) VCF-style: chrX-154250794-A-G.
Other names: short protein forms C12R.
Identifiers: ClinVar variation 2630936 (VCV002630936.1), dbSNP rs1557287605, ClinGen allele CA414920673.